The following is an entry in ClinVar:

NM_006623.4(PHGDH):c.568C>T (p.Gln190Ter)

Gene: PHGDH (phosphoglycerate dehydrogenase; plus strand). Cytogenetic location: 1p12.
Variant type: single nucleotide variant.
Coding change: c.568C>T on transcript NM_006623.4 (MANE Select); coding-DNA position 568, C replaced by T.
Protein change: p.Gln190Ter; replaces glutamine 190 with a stop codon.
Molecular consequence: nonsense.
Genome position (GRCh38, 1-based): chr1:119,734,691, C>T. VCF-style: chr1-119734691-C-T. GRCh37 (hg19) VCF-style: chr1-120277314-C-T.
Other names: short protein forms Q190*.
Identifiers: ClinVar variation 5007031 (VCV005007031.2).

ClinVar aggregate classification (germline): Likely pathogenic (1 of 4 stars; one submission).

Conditions:
Neu-Laxova syndrome 1 (NLS1). Identifiers: Orphanet 2671, Orphanet 583607, MedGen C4551478, MONDO:0009736, OMIM 256520. Disease mechanism: loss of function.
PHGDH deficiency. Identifiers: Orphanet 79351, MedGen C1866174, MONDO:0011152, OMIM 601815.

gnomAD v4.1: 1 of 1,614,050 alleles (0.000062%); highest among the groups gnomAD compares: Non-Finnish European, 0.000085%; no homozygotes.

Submission:

Juno Genomics, Hangzhou Juno Genomics, Inc
Classification: Likely pathogenic for Neu-Laxova syndrome 1; PHGDH deficiency. Review status: criteria provided, single submitter. Criteria: ACMG Guidelines, 2015. Collection method: clinical testing. Allele origin: germline.
Comment: Absent from controls (or at extremely low frequency if recessive) in Genome Aggregation Database.;Null variant in a gene where loss of function (LOF) is a known mechanism of disease.